The following is an entry in ClinVar:

ClinVar aggregate classification (germline): Uncertain significance (1 of 4 stars; one submission).

Allele frequency attached by ClinVar (database versions not stated): ExAC 0.00004.
gnomAD v4.1: 45 of 1,612,890 alleles (0.0028%); highest among the groups gnomAD compares: African/African-American, 0.004%; no homozygotes.

Submission:

Labcorp Genetics (formerly Invitae), Labcorp
Classification: Uncertain significance. Last evaluated: 2023-05-08. Review status: criteria provided, single submitter. Criteria: Invitae Variant Classification Sherloc (09022015). Collection method: clinical testing. Allele origin: germline.
Comment: In summary, the available evidence is currently insufficient to determine the role of this variant in disease. Therefore, it has been classified as a Variant of Uncertain Significance. Algorithms developed to predict the effect of missense changes on protein structure and function output the following: SIFT: "Not Available"; PolyPhen-2: "Benign"; Align-GVGD: "Not Available". The histidine amino acid residue is found in multiple mammalian species, which suggests that this missense change does not adversely affect protein function. ClinVar contains an entry for this variant (Variation ID: 1345101). This variant has not been reported in the literature in individuals affected with LTBP2-related conditions. This variant is present in population databases (rs770291952, gnomAD 0.008%). This sequence change replaces arginine, which is basic and polar, with histidine, which is basic and polar, at codon 444 of the LTBP2 protein (p.Arg444His).

NM_000428.3(LTBP2):c.1331G>A (p.Arg444His)

Gene: LTBP2 (latent transforming growth factor beta binding protein 2; minus strand). Cytogenetic location: 14q24.3.
Variant type: single nucleotide variant.
Coding change: c.1331G>A on transcript NM_000428.3 (MANE Select); coding-DNA position 1331, G replaced by A.
Protein change: p.Arg444His; replaces arginine 444 with histidine.
Molecular consequence: missense variant.
Genome position (GRCh38, 1-based): chr14:74,552,255, C>T on the plus strand (G>A on the coding strand, the complement: LTBP2 is on the minus strand). VCF-style: chr14-74552255-C-T. GRCh37 (hg19) VCF-style: chr14-75018958-C-T.
Other names: short protein forms R444H.
Identifiers: ClinVar variation 1345101 (VCV001345101.4), dbSNP rs770291952, ClinGen allele CA7269915.
Genomic context (GRCh38, chr14:74,552,255, plus strand): 5'-TTGGAGAGCGGCAGTGTGAAAGTGGACTGCTTCAGTGGGGCTTCCAGCAAGGCCCTGGGG[C>T]GGGACCCCCTCCCTGGAGGCTCCCTGTCCGGCTGCGGGATAGGCAGGTGGCAGAACTTCC-3'
Protein context (NP_000419.1, residues 434-454): PDREPPGRGS[Arg444His]PRALLEAPLK